The following is an entry in ClinVar:

NM_033641.4(COL4A6):c.2338C>T (p.Leu780Phe)

Gene: COL4A6 (collagen type IV alpha 6 chain; minus strand). Cytogenetic location: Xq22.3.
Variant type: single nucleotide variant.
Coding change: c.2338C>T on transcript NM_033641.4 (MANE Select); coding-DNA position 2338, C replaced by T.
Protein change: p.Leu780Phe; replaces leucine 780 with phenylalanine.
Molecular consequence: missense variant.
Genome position (GRCh38, 1-based): chrX:108,179,232, G>A on the plus strand (C>T on the coding strand, the complement: COL4A6 is on the minus strand). VCF-style: chrX-108179232-G-A. GRCh37 (hg19) VCF-style: chrX-107422462-G-A.
Other names: c.2389C>T, p.Leu797Phe (NM_001287758.2); c.2338C>T, p.Leu780Phe (NM_001287759.2, NM_001287760.2); c.2341C>T, p.Leu781Phe (NM_001847.4); short protein forms L780F, L781F, L797F.
Identifiers: ClinVar variation 1409581 (VCV001409581.9), dbSNP rs780678705, ClinGen allele CA10487648.

ClinVar aggregate classification (germline): Conflicting classifications of pathogenicity. Review status: criteria provided, conflicting classifications (1 of 4 stars). 2 submissions from 2 submitters: Uncertain significance (1); Likely benign (1). Last evaluated 2024-05-23.

Allele frequency attached by ClinVar (database versions not stated): TOPMed 0.00001; gnomAD exomes 0.00002 and 0.00007; gnomAD 0.00004; ExAC 0.00011.
gnomAD v4.1: 26 of 1,208,844 alleles (0.0022%); highest among the groups gnomAD compares: South Asian, 0.044%; no homozygotes.

Submissions (2):

Blueprint Genetics
Classification: Likely benign. Last evaluated: 2024-05-23. Review status: criteria provided, single submitter. Criteria: ACMG Guidelines, 2015. Collection method: clinical testing. Allele origin: germline.

Labcorp Genetics (formerly Invitae), Labcorp
Classification: Uncertain significance. Last evaluated: 2023-06-22. Review status: criteria provided, single submitter. Criteria: Invitae Variant Classification Sherloc (09022015). Collection method: clinical testing. Allele origin: germline.
Comment: This sequence change replaces leucine, which is neutral and non-polar, with phenylalanine, which is neutral and non-polar, at codon 781 of the COL4A6 protein (p.Leu781Phe). This variant is present in population databases (rs780678705, gnomAD 0.06%), and has an allele count higher than expected for a pathogenic variant. This variant has not been reported in the literature in individuals affected with COL4A6-related conditions. ClinVar contains an entry for this variant (Variation ID: 1409581). Advanced modeling of protein sequence and biophysical properties (such as structural, functional, and spatial information, amino acid conservation, physicochemical variation, residue mobility, and thermodynamic stability) performed at Invitae indicates that this missense variant is not expected to disrupt COL4A6 protein function. In summary, the available evidence is currently insufficient to determine the role of this variant in disease. Therefore, it has been classified as a Variant of Uncertain Significance.